The following is an entry in ClinVar:

ClinVar aggregate classification (germline): Conflicting classifications of pathogenicity. Review status: criteria provided, conflicting classifications (1 of 4 stars). 3 submissions from 3 submitters: Uncertain significance (1); Likely benign (2). Last evaluated 2025-11-17.

Conditions:
Idiopathic generalized epilepsy. Also called: EIG; Generalised epilepsy. Identifiers: MedGen C0270850, MONDO:0005579, OMIM 600669.
Hyperaldosteronism, familial, type IV (HALD4). Also called: FH IV; ALDOSTERONISM, PRIMARY, AND HYPERTENSION. Identifiers: Orphanet 642671, MedGen C4310756, MONDO:0014875, OMIM 617027.

Allele frequency attached by ClinVar (database versions not stated): gnomAD 0.00010 and 0.00011; TOPMed 0.00013; ESP Exome Variant Server 0.00016; gnomAD exomes 0.00016; ExAC 0.00018.
gnomAD v4.1: 150 of 1,608,204 alleles (0.0093%); highest among the groups gnomAD compares: East Asian, 0.23%; 1 homozygote.

Submissions (3):

Labcorp Genetics (formerly Invitae), Labcorp
Classification: Likely benign for Idiopathic generalized epilepsy; Hyperaldosteronism, familial, type IV. Last evaluated: 2025-11-17. Review status: criteria provided, single submitter. Criteria: Invitae Variant Classification Sherloc (09022015). Collection method: clinical testing. Allele origin: germline.

Blueprint Genetics
Classification: Likely benign. Last evaluated: 2023-11-17. Review status: criteria provided, single submitter. Criteria: ACMG Guidelines, 2015. Collection method: clinical testing. Allele origin: germline.

GeneDx
Classification: Uncertain significance. Last evaluated: 2020-02-13. Review status: criteria provided, single submitter. Criteria: GeneDx Variant Classification Process June 2021. Collection method: clinical testing. Allele origin: germline. Affected: yes.
Comment: In silico analysis supports that this missense variant does not alter protein structure/function; Has not been previously published as pathogenic or benign to our knowledge

NM_021098.3(CACNA1H):c.3988G>A (p.Val1330Ile)

Gene: CACNA1H (calcium voltage-gated channel subunit alpha1 H; plus strand). Cytogenetic location: 16p13.3.
Variant type: single nucleotide variant.
Coding change: c.3988G>A on transcript NM_021098.3 (MANE Select); coding-DNA position 3988, G replaced by A.
Protein change: p.Val1330Ile; replaces valine 1330 with isoleucine.
Molecular consequence: missense variant.
Genome position (GRCh38, 1-based): chr16:1,210,601, G>A. VCF-style: chr16-1210601-G-A. GRCh37 (hg19) VCF-style: chr16-1260601-G-A.
Other names: c.3988G>A, p.Val1330Ile (NM_001005407.2); short protein forms V1330I.
Identifiers: ClinVar variation 1152215 (VCV001152215.11), dbSNP rs28365125, ClinGen allele CA7801071.
Genomic context (GRCh38, chr16:1,210,601, plus strand): 5'-GGGGTGGAGTGGACACAGCCCCCCACCGTCCTCTCCCGGCAGGAGCGGGTCTTCCTCAGC[G>A]TCTCCAATTACATCTTCACGGCCATCTTCGTGGCGGAGATGATGGTGAAGGTACCGCGGG-3'
Protein context (NP_066921.2, residues 1320-1340): PGSTERVFLS[Val1330Ile]SNYIFTAIFV